The following is an entry in ClinVar:

NM_003036.4(SKI):c.464C>G (p.Ala155Gly)

Gene: SKI (SKI proto-oncogene; plus strand). Cytogenetic location: 1p36.33.
Variant type: single nucleotide variant.
Coding change: c.464C>G on transcript NM_003036.4 (MANE Select); coding-DNA position 464, C replaced by G.
Protein change: p.Ala155Gly; replaces alanine 155 with glycine.
Molecular consequence: missense variant.
Genome position (GRCh38, 1-based): chr1:2,229,230, C>G. VCF-style: chr1-2229230-C-G. GRCh37 (hg19) VCF-style: chr1-2160669-C-G.
Other names: short protein forms A155G.
Identifiers: ClinVar variation 373594 (VCV000373594.18), dbSNP rs559020511, ClinGen allele CA536396.
Genomic context (GRCh38, chr1:2,229,230, plus strand): 5'-CGCTGCAGCAGATCAACGCGGTGTGCGACGAGCTCCACATCTACTGCTCGCGCTGCACGG[C>G]CGACCAGCTGGAGATCCTCAAAGTCATGGGCATCCTGCCCTTCTCGGCGCCCTCGTGCGG-3'
Protein context (NP_003027.1, residues 145-165): ELHIYCSRCT[Ala155Gly]DQLEILKVMG

ClinVar aggregate classification (germline): Conflicting classifications of pathogenicity. Review status: criteria provided, conflicting classifications (1 of 4 stars). 8 submissions from 7 submitters: Uncertain significance (6); Likely benign (1). 1 of the submissions does not count toward it. Last evaluated 2025-12-09.

Conditions:
Shprintzen-Goldberg syndrome (SGS). Also called: SHPRINTZEN-GOLDBERG CRANIOSYNOSTOSIS SYNDROME; CRANIOSYNOSTOSIS WITH ARACHNODACTYLY AND ABDOMINAL HERNIAS; Marfanoid disorder with craniosynostosis type 1; Marfanoid craniosynostosis syndrome; Shprintzen-Goldberg marfanoid syndrome. Identifiers: Orphanet 2462, MedGen C1321551, MONDO:0008426, OMIM 182212.
SKI-related disorder. Also called: SKI-related condition.
Familial thoracic aortic aneurysm and aortic dissection (TAAD). Also called: Thoracic aortic aneurysms and dissections. Identifiers: Orphanet 91387, MedGen C4707243, MONDO:0019625.
Cardiovascular phenotype. Identifiers: MedGen CN230736.

Allele frequency attached by ClinVar (database versions not stated): gnomAD 0.00001 and 0.00004; gnomAD exomes 0.00002 and 0.00003; TOPMed 0.00003; ExAC 0.00006; 1000 Genomes Project 30x 0.00031; 1000 Genomes Project 0.00040.
gnomAD v4.1: 34 of 1,606,578 alleles (0.0021%); highest among the groups gnomAD compares: Non-Finnish European, 0.0028%; no homozygotes.

Submissions (8):

Labcorp Genetics (formerly Invitae), Labcorp
Classification: Uncertain significance for Shprintzen-Goldberg syndrome. Last evaluated: 2025-12-09. Review status: criteria provided, single submitter. Criteria: Invitae Variant Classification Sherloc (09022015). Collection method: clinical testing. Allele origin: germline.
Comment: This sequence change replaces alanine, which is neutral and non-polar, with glycine, which is neutral and non-polar, at codon 155 of the SKI protein (p.Ala155Gly). This variant is present in population databases (rs559020511, gnomAD 0.008%). This variant has not been reported in the literature in individuals affected with SKI-related conditions. ClinVar contains an entry for this variant (Variation ID: 373594). Invitae Evidence Modeling of protein sequence and biophysical properties (such as structural, functional, and spatial information, amino acid conservation, physicochemical variation, residue mobility, and thermodynamic stability) indicates that this missense variant is not expected to disrupt SKI protein function with a negative predictive value of 95%. In summary, the available evidence is currently insufficient to determine the role of this variant in disease. Therefore, it has been classified as a Variant of Uncertain Significance.

PreventionGenetics, part of Exact Sciences
Classification: Uncertain significance for SKI-related condition. Last evaluated: 2025-06-21. Review status: criteria provided, single submitter. Criteria: ACMG Guidelines, 2015. Collection method: clinical testing. Allele origin: germline.
Comment: The SKI c.464C>G variant is predicted to result in the amino acid substitution p.Ala155Gly. To our knowledge, this variant has not been reported in the literature. An alternate variant impacting the same amino acid (p.Ala155Ser) was reported in an individual with craniosynostosis (Clarke et al. 2018. PubMed ID: 29168297). This variant is reported in 0.0078% of alleles in individuals of European (Non-Finnish) descent in gnomAD. At this time, the clinical significance of this variant is uncertain due to the absence of conclusive functional and genetic evidence.

Molecular Diagnostic Laboratory for Inherited Cardiovascular Disease, Montreal Heart Institute
Classification: Uncertain significance for Cardiovascular phenotype. Last evaluated: 2025-04-09. Review status: criteria provided, single submitter. Criteria: ACMG Guidelines, 2015. Collection method: clinical testing. Allele origin: germline. Affected: yes.
Comment: PP3, BS1

Ambry Genetics
Classification: Uncertain significance for Familial thoracic aortic aneurysm and aortic dissection. Last evaluated: 2025-03-23. Review status: criteria provided, single submitter. Criteria: Ambry Variant Classification Scheme 2023. Collection method: clinical testing. Allele origin: germline.
Comment: The p.A155G variant (also known as c.464C>G), located in coding exon 1 of the SKI gene, results from a C to G substitution at nucleotide position 464. The alanine at codon 155 is replaced by glycine, an amino acid with similar properties. This amino acid position is conserved. In addition, the in silico prediction for this alteration is inconclusive. Since supporting evidence is limited at this time, the clinical significance of this alteration remains unclear.

Blueprint Genetics
Classification: Likely benign. Last evaluated: 2024-08-29. Review status: criteria provided, single submitter. Criteria: ACMG Guidelines, 2015. Collection method: clinical testing. Allele origin: germline.

GeneDx
Classification: Uncertain significance. Last evaluated: 2023-01-10. Review status: criteria provided, single submitter. Criteria: GeneDx Variant Classification Process June 2021. Collection method: clinical testing. Allele origin: germline. Affected: yes.
Comment: In silico analysis supports that this missense variant does not alter protein structure/function; Has not been previously published as pathogenic or benign to our knowledge

Fulgent Genetics
Classification: Uncertain significance for Shprintzen-Goldberg syndrome. Last evaluated: 2018-10-31. Review status: criteria provided, single submitter. Criteria: ACMG Guidelines, 2015. Collection method: clinical testing. Allele origin: unknown.

GeneDx
Classification: Uncertain significance. Last evaluated: 2016-11-29. Review status: flagged submission. Criteria: GeneDx Variant Classification (06012015). Collection method: clinical testing. Allele origin: germline. Affected: yes. Not counted in ClinVar's aggregate classification.
Comment: A variant of uncertain significance has been identified in the SKI gene. The A155G variant has not been published as a pathogenic variant, nor has it been reported as a benign variant to our knowledge. It was not observed in approximately 6,500 individuals of European and African American ancestry in the NHLBI Exome Sequencing Project, indicating it is not a common benign variant in these populations. However, the A155G variant is a conservative amino acid substitution, which is not likely to impact secondary protein structure as these residues share similar properties. Nonetheless, this substitution occurs at a position that is conserved across species, and two of three in silico programs predict this variant is probably damaging to the protein structure/function. Therefore, based on the currently available information, it is unclear whether this variant is pathogenic or rare benign. This result cannot be interpreted for diagnosis or used for family member screening at this time.
ClinVar note: Reason: This record appears to be redundant with a more recent record from the same submitter.
ClinVar note: Notes: SCV000492202 appears to be redundant with SCV002820695.